The following is an entry in ClinVar:

NM_033100.4(CDHR1):c.1205C>A (p.Pro402His)

Gene: CDHR1 (cadherin related family member 1; plus strand). Cytogenetic location: 10q23.1.
Variant type: single nucleotide variant.
Coding change: c.1205C>A on transcript NM_033100.4 (MANE Select); coding-DNA position 1205, C replaced by A.
Protein change: p.Pro402His; replaces proline 402 with histidine.
Molecular consequence: missense variant.
Genome position (GRCh38, 1-based): chr10:84,208,766, C>A. VCF-style: chr10-84208766-C-A. GRCh37 (hg19) VCF-style: chr10-85968522-C-A.
Other names: c.1205C>A, p.Pro402His (NM_001171971.3); short protein forms P402H.
Identifiers: ClinVar variation 959689 (VCV000959689.11), dbSNP rs1842277221, ClinGen allele CA377375418.
Genomic context (GRCh38, chr10:84,208,766, plus strand): 5'-TTTCCACTCTCCAAATTCTCTAGGGAGCCAATGCCAAATTCAACTTGCAGCTGGTGGGAC[C>A]CAGGGGCATCTTCCGAGTGGTTCCACAGACAGTCCTGAATGAAGCCCAAGTCACAATCAT-3'
Protein context (NP_149091.1, residues 392-412): NAKFNLQLVG[Pro402His]RGIFRVVPQT

ClinVar aggregate classification (germline): Uncertain significance. Review status: criteria provided, multiple submitters, no conflicts (2 of 4 stars). 3 submissions from 3 submitters: Uncertain significance (2). 1 of the submissions does not count toward it. Last evaluated 2024-01-02.

Conditions:
Retinal dystrophy. Also called: Inherited retinal dystrophy. Identifiers: Orphanet 71862, MedGen C0854723, MeSH D058499, MONDO:0019118, HP:0000556.

Allele frequency attached by ClinVar (database versions not stated): TOPMed 0.00001.
gnomAD v4.1: 8 of 1,614,160 alleles (0.0005%); highest among the groups gnomAD compares: Non-Finnish European, 0.00068%; no homozygotes.

Submissions (3):

Labcorp Genetics (formerly Invitae), Labcorp
Classification: Uncertain significance. Last evaluated: 2024-01-02. Review status: criteria provided, single submitter. Criteria: Invitae Variant Classification Sherloc (09022015). Collection method: clinical testing. Allele origin: germline.
Comment: This sequence change replaces proline, which is neutral and non-polar, with histidine, which is basic and polar, at codon 402 of the CDHR1 protein (p.Pro402His). This variant is not present in population databases (gnomAD no frequency). This variant has not been reported in the literature in individuals affected with CDHR1-related conditions. ClinVar contains an entry for this variant (Variation ID: 959689). Advanced modeling of protein sequence and biophysical properties (such as structural, functional, and spatial information, amino acid conservation, physicochemical variation, residue mobility, and thermodynamic stability) performed at Invitae indicates that this missense variant is not expected to disrupt CDHR1 protein function with a negative predictive value of 80%. In summary, the available evidence is currently insufficient to determine the role of this variant in disease. Therefore, it has been classified as a Variant of Uncertain Significance.

Blueprint Genetics
Classification: Uncertain significance. Last evaluated: 2023-12-28. Review status: criteria provided, single submitter. Criteria: ACMG Guidelines, 2015. Collection method: clinical testing. Allele origin: germline.

Institute of Human Genetics, Univ. Regensburg, Univ. Regensburg
Classification: Uncertain significance for Retinal dystrophy. Last evaluated: 2017-01-01. Review status: no assertion criteria provided. Criteria: ACMG Guidelines, 2015. Collection method: clinical testing. Allele origin: germline. Affected: yes. Not counted in ClinVar's aggregate classification.